The following is an entry in ClinVar:

ClinVar aggregate classification (germline): Uncertain significance (1 of 4 stars; one submission).

Conditions:
Arrhythmogenic right ventricular dysplasia 11. Also called: ARRHYTHMOGENIC RIGHT VENTRICULAR DYSPLASIA, FAMILIAL, 11; Arrhythmogenic Right Ventricular Dysplasia/Cardiomyopathy11; Arrhythmogenic right ventricular dysplasia 11 with mild palmoplantar keratoderma and woolly hair. Identifiers: MedGen C1864850, MONDO:0012506, OMIM 610476.

gnomAD v4.1: 1 of 1,613,806 alleles (0.000062%); highest among the groups gnomAD compares: East Asian, 0.0022%; no homozygotes.

Submission:

Labcorp Genetics (formerly Invitae), Labcorp
Classification: Uncertain significance for Arrhythmogenic right ventricular dysplasia 11. Last evaluated: 2025-03-31. Review status: criteria provided, single submitter. Criteria: Invitae Variant Classification Sherloc (09022015). Collection method: clinical testing. Allele origin: germline.
Comment: This sequence change replaces proline, which is neutral and non-polar, with leucine, which is neutral and non-polar, at codon 218 of the DSC2 protein (p.Pro218Leu). This variant is present in population databases (rs756441863, gnomAD 0.006%). This variant has not been reported in the literature in individuals affected with DSC2-related conditions. Invitae Evidence Modeling of protein sequence and biophysical properties (such as structural, functional, and spatial information, amino acid conservation, physicochemical variation, residue mobility, and thermodynamic stability) indicates that this missense variant is not expected to disrupt DSC2 protein function with a negative predictive value of 80%. In summary, the available evidence is currently insufficient to determine the role of this variant in disease. Therefore, it has been classified as a Variant of Uncertain Significance.

NM_024422.6(DSC2):c.653C>T (p.Pro218Leu)

Gene: DSC2 (desmocollin 2; minus strand). Cytogenetic location: 18q12.1.
Variant type: single nucleotide variant.
Coding change: c.653C>T on transcript NM_024422.6 (MANE Select); coding-DNA position 653, C replaced by T.
Protein change: p.Pro218Leu; replaces proline 218 with leucine.
Molecular consequence: missense variant.
Genome position (GRCh38, 1-based): chr18:31,087,791, G>A on the plus strand (C>T on the coding strand, the complement: DSC2 is on the minus strand). VCF-style: chr18-31087791-G-A. GRCh37 (hg19) VCF-style: chr18-28667754-G-A.
Other names: c.224C>T, p.Pro75Leu (NM_001406506.1, NM_001406507.1); c.653C>T, p.Pro218Leu (NM_004949.5); short protein forms P75L, P218L.
Identifiers: ClinVar variation 4703396 (VCV004703396.1).